The following is an entry in ClinVar:

ClinVar aggregate classification (germline): Uncertain significance (1 of 4 stars; one submission).

Conditions:
Lissencephaly due to LIS1 mutation (LIS1). Also called: PAFAH1B1-Associated Lissencephaly/Subcortical Band Heterotopia; PAFAH1B1-Related Lissencephaly/Subcortical Band Heterotopia; Isolated Lissencephaly Sequence. Identifiers: Orphanet 95232, MedGen C4749301, MONDO:0011830, OMIM 607432.

Submission:

3billion
Classification: Uncertain significance for Lissencephaly due to LIS1 mutation. Last evaluated: 2025-09-18. Review status: criteria provided, single submitter. Criteria: ACMG Guidelines, 2015. Collection method: clinical testing. Allele origin: germline. Affected: yes.
Comment: The variant is not observed in the gnomAD v4.1.0 dataset. Predicted Consequence/Location: Missense variant In silico tool predictions suggest damaging effect of the variant on gene or gene product [REVEL: 0.79 (>=0.6, sensitivity 0.68 and specificity 0.92)]. Therefore, this variant is classified as VUS according to the recommendation of ACMG/AMP guideline.

NM_000430.4(PAFAH1B1):c.373T>C (p.Ser125Pro)

Gene: PAFAH1B1 (platelet activating factor acetylhydrolase 1b regulatory subunit 1; plus strand). Cytogenetic location: 17p13.3.
Variant type: single nucleotide variant.
Coding change: c.373T>C on transcript NM_000430.4 (MANE Select); coding-DNA position 373, T replaced by C.
Protein change: p.Ser125Pro; replaces serine 125 with proline.
Molecular consequence: missense variant.
Genome position (GRCh38, 1-based): chr17:2,667,172, T>C. VCF-style: chr17-2667172-T-C. GRCh37 (hg19) VCF-style: chr17-2570466-T-C.
Other names: short protein forms S125P.
Identifiers: ClinVar variation 4853875 (VCV004853875.1).